The following is an entry in ClinVar:

ClinVar aggregate classification (germline): Uncertain significance (1 of 4 stars; one submission).

Conditions:
Tuberous sclerosis 2 (TSC2). Identifiers: Orphanet 805, MedGen C1860707, MONDO:0013199, OMIM 613254.

Submission:

Labcorp Genetics (formerly Invitae), Labcorp
Classification: Uncertain significance for Tuberous sclerosis 2. Last evaluated: 2020-09-06. Review status: criteria provided, single submitter. Criteria: Invitae Variant Classification Sherloc (09022015). Collection method: clinical testing. Allele origin: germline.
Comment: This variant has not been reported in the literature in individuals with TSC2-related conditions. This variant is not present in population databases (ExAC no frequency). This sequence change replaces aspartic acid with glutamic acid at codon 1004 of the TSC2 protein (p.Asp1004Glu). The aspartic acid residue is highly conserved and there is a small physicochemical difference between aspartic acid and glutamic acid. Algorithms developed to predict the effect of missense changes on protein structure and function are either unavailable or do not agree on the potential impact of this missense change (SIFT: "Deleterious"; PolyPhen-2: "Benign"; Align-GVGD: "Class C0"). In summary, the available evidence is currently insufficient to determine the role of this variant in disease. Therefore, it has been classified as a Variant of Uncertain Significance.

NM_000548.5(TSC2):c.3012T>G (p.Asp1004Glu)

Gene: TSC2 (TSC complex subunit 2; plus strand). Cytogenetic location: 16p13.3.
Variant type: single nucleotide variant.
Coding change: c.3012T>G on transcript NM_000548.5 (MANE Select); coding-DNA position 3012, T replaced by G.
Protein change: p.Asp1004Glu; replaces aspartic acid 1004 with glutamic acid.
Molecular consequence: missense variant.
Genome position (GRCh38, 1-based): chr16:2,079,077, T>G. VCF-style: chr16-2079077-T-G. GRCh37 (hg19) VCF-style: chr16-2129078-T-G.
Other names: c.2880T>G, p.Asp960Glu (NM_001077183.3, NM_001370404.1); c.3012T>G, p.Asp1004Glu (NM_001114382.3); c.2772T>G, p.Asp924Glu (NM_001318827.2); c.2736T>G, p.Asp912Glu (NM_001318829.2); c.2280T>G, p.Asp760Glu (NM_001318831.2); c.2913T>G, p.Asp971Glu (NM_001318832.2); c.2883T>G, p.Asp961Glu (NM_001363528.2, NM_001370405.1, NM_021055.3); short protein forms D1004E, D760E, D912E, D924E, D960E, D961E, D971E.
Identifiers: ClinVar variation 1027007 (VCV001027007.8), dbSNP rs772328985, ClinGen allele CA394283851.